The following is an entry in ClinVar:

NM_001458.5(FLNC):c.490C>T (p.Arg164Trp)

Gene: FLNC (filamin C; plus strand). Cytogenetic location: 7q32.1.
Variant type: single nucleotide variant.
Coding change: c.490C>T on transcript NM_001458.5 (MANE Select); coding-DNA position 490, C replaced by T.
Protein change: p.Arg164Trp; replaces arginine 164 with tryptophan.
Molecular consequence: missense variant.
Genome position (GRCh38, 1-based): chr7:128,835,463, C>T. VCF-style: chr7-128835463-C-T. GRCh37 (hg19) VCF-style: chr7-128475517-C-T.
Other names: c.490C>T, p.Arg164Trp (NM_001127487.2); short protein forms R164W.
Identifiers: ClinVar variation 579294 (VCV000579294.12), dbSNP rs1460797312, ClinGen allele CA369219385.

ClinVar aggregate classification (germline): Uncertain significance. Review status: criteria provided, multiple submitters, no conflicts (2 of 4 stars). 4 submissions from 4 submitters: Uncertain significance (4). Last evaluated 2025-09-07.

Conditions:
Cardiovascular phenotype. Identifiers: MedGen CN230736.
Hypertrophic cardiomyopathy 26. Also called: Cardiomyopathy, familial hypertrophic, 26. Identifiers: Orphanet 75249, MedGen C4310749, MONDO:0014883, OMIM 617047.
Myofibrillar myopathy 5. Also called: FILAMINOPATHY, AUTOSOMAL DOMINANT; Filaminopathy (type). Identifiers: Orphanet 171445, MedGen C1836050, MONDO:0012289, OMIM 609524.
Distal myopathy with posterior leg and anterior hand involvement. Also called: WILLIAMS DISTAL MYOPATHY. Identifiers: Orphanet 63273, MedGen C3279722, MONDO:0013550, OMIM 614065.
Primary dilated cardiomyopathy (DCM). Also called: Dilated Cardiomyopathy. Identifiers: Orphanet 217604, MedGen C0007193, MeSH D002311, MONDO:0005021, HP:0001644. Inheritance: Various modes of inheritance.

Allele frequency attached by ClinVar (database versions not stated): gnomAD exomes below 0.00001 and 0.00001; TOPMed below 0.00001; gnomAD 0.00001.
gnomAD v4.1: 19 of 1,613,824 alleles (0.0012%); highest among the groups gnomAD compares: Non-Finnish European, 0.0015%; no homozygotes.

Submissions (4):

Ambry Genetics
Classification: Uncertain significance for Cardiovascular phenotype. Last evaluated: 2025-09-07. Review status: criteria provided, single submitter. Criteria: Ambry Variant Classification Scheme 2023. Collection method: clinical testing. Allele origin: germline.
Comment: The p.R164W variant (also known as c.490C>T), located in coding exon 2 of the FLNC gene, results from a C to T substitution at nucleotide position 490. The arginine at codon 164 is replaced by tryptophan, an amino acid with dissimilar properties. This variant was reported in one individual with left ventricular non-compaction (LVNC), who also had additional co-occurring cardiac variants detected (Liu S et al. Int J Cardiol, 2020 03;302:117-123). This amino acid position is highly conserved in available vertebrate species. In addition, this alteration is predicted to be deleterious by in silico analysis. Since supporting evidence is limited at this time, the clinical significance of this alteration remains unclear.

Labcorp Genetics (formerly Invitae), Labcorp
Classification: Uncertain significance for Distal myopathy with posterior leg and anterior hand involvement; Myofibrillar myopathy 5; Hypertrophic cardiomyopathy 26. Last evaluated: 2025-05-22. Review status: criteria provided, single submitter. Criteria: Invitae Variant Classification Sherloc (09022015). Collection method: clinical testing. Allele origin: germline.
Comment: This sequence change replaces arginine, which is basic and polar, with tryptophan, which is neutral and slightly polar, at codon 164 of the FLNC protein (p.Arg164Trp). This variant is present in population databases (no rsID available, gnomAD 0.0009%). This missense change has been observed in individual(s) with left ventricular non-compaction (PMID: 31918855). ClinVar contains an entry for this variant (Variation ID: 579294). Invitae Evidence Modeling of protein sequence and biophysical properties (such as structural, functional, and spatial information, amino acid conservation, physicochemical variation, residue mobility, and thermodynamic stability) has been performed for this missense variant. However, the output from this modeling did not meet the statistical confidence thresholds required to predict the impact of this variant on FLNC protein function. In summary, the available evidence is currently insufficient to determine the role of this variant in disease. Therefore, it has been classified as a Variant of Uncertain Significance.

Victorian Clinical Genetics Services, Murdoch Childrens Research Institute
Classification: Uncertain significance for Primary dilated cardiomyopathy. Last evaluated: 2021-05-06. Review status: criteria provided, single submitter. Criteria: ACMG Guidelines, 2015. Collection method: clinical testing. Allele origin: germline. Inheritance: Autosomal dominant inheritance. Affected: yes.
Comment: Based on the classification scheme VCGS_Germline_v1.3.4, this variant is classified as VUS-3A. Following criteria are met: 0103 - Loss of function and gain of function are known mechanisms of disease in this gene and are associated with FLNC-related disease. Loss of function variants have been reported to cause myofibrillar myopathy, 5 (MIM#609524), distal myopathy, 4 (MIM#614065), familial hypertrophic cardiomyopathy, 26 (MIM#617047) and dilated cardiomyopathy (PMID: 32112656). Gain of function variants have also been reported to cause distal myopathy, 4 (MIM#614065) (PMID: 28008423, PMID: 23109048). (I) 0107 - This gene is associated with autosomal dominant disease. (I) 0200 - Variant is predicted to result in a missense amino acid change from arginine to tryptophan. (I) 0251 - This variant is heterozygous. (I) 0302 - Variant is present in gnomAD (v2, v3) <0.001 for a dominant condition (1 heterozygote, 0 homozygotes). (SP) 0501 - Missense variant consistently predicted to be damaging by multiple in silico tools or highly conserved with a major amino acid change. (SP) 0600 - Variant is located in the annotated calponin homology domain (Uniprot). (I) 0705 - No comparable missense variants have previous evidence for pathogenicity. (I) 0809 - Previous evidence of pathogenicity for this variant is inconclusive. This variant has been previously reported as a VUS (ClinVar). (I) 0905 - No published segregation evidence has been identified for this variant. (I) 1007 - No published functional evidence has been identified for this variant. (I) 1208 - Inheritance information for this variant is not currently available in this individual. (I) Legend: (SP) - Supporting pathogenic, (I) - Information, (SB) - Supporting benign

GeneDx
Classification: Uncertain significance. Last evaluated: 2020-02-03. Review status: criteria provided, single submitter. Criteria: GeneDx Variant Classification Process June 2021. Collection method: clinical testing. Allele origin: germline. Affected: yes.
Comment: Not observed at a significant frequency in large population cohorts (Lek et al., 2016); In silico analysis supports that this missense variant has a deleterious effect on protein structure/function; Has not been previously published as pathogenic or benign to our knowledge; This variant is associated with the following publications: (PMID: 31918855)

Literature cited by the submitters: PubMed 31918855 (cited by Ambry Genetics and Labcorp Genetics (formerly Invitae), Labcorp); PubMed 23109048 (cited by Victorian Clinical Genetics Services, Murdoch Childrens Research Institute); PubMed 28008423 (cited by Victorian Clinical Genetics Services, Murdoch Childrens Research Institute); PubMed 32112656 (cited by Victorian Clinical Genetics Services, Murdoch Childrens Research Institute).